The following is an entry in ClinVar:

NM_001261826.3(AP3D1):c.1751A>G (p.Lys584Arg)

Gene: AP3D1 (adaptor related protein complex 3 subunit delta 1; minus strand). Cytogenetic location: 19p13.3.
Variant type: single nucleotide variant.
Coding change: c.1751A>G on transcript NM_001261826.3 (MANE Select); coding-DNA position 1751, A replaced by G.
Protein change: p.Lys584Arg; replaces lysine 584 with arginine.
Molecular consequence: missense variant.
Genome position (GRCh38, 1-based): chr19:2,117,330, T>C on the plus strand (A>G on the coding strand, the complement: AP3D1 is on the minus strand). VCF-style: chr19-2117330-T-C. GRCh37 (hg19) VCF-style: chr19-2117329-T-C.
Other names: c.1751A>G, p.Lys584Arg (NM_001374799.1, NM_003938.8); short protein forms K584R.
Identifiers: ClinVar variation 3648233 (VCV003648233.2).
Genomic context (GRCh38, chr19:2,117,330, plus strand): 5'-AGCTCCCCAGCAAAGAGAGCGCTGACCTCCTCTGCCACAGGCACGTCCTTGGCCTGAAGC[T>C]TCTGGATGTGCTTGACCAGCTGCAGGATGCAGGACGCCTGTGGGGGACACAGGGGTCACT-3'
Protein context (NP_001248755.1, residues 574-594): CILQLVKHIQ[Lys584Arg]LQAKDVPVAE

ClinVar aggregate classification (germline): Uncertain significance (1 of 4 stars; one submission).

Submission:

Labcorp Genetics (formerly Invitae), Labcorp
Classification: Uncertain significance. Last evaluated: 2024-03-30. Review status: criteria provided, single submitter. Criteria: Invitae Variant Classification Sherloc (09022015). Collection method: clinical testing. Allele origin: germline.
Comment: This sequence change replaces lysine, which is basic and polar, with arginine, which is basic and polar, at codon 584 of the AP3D1 protein (p.Lys584Arg). This variant is not present in population databases (gnomAD no frequency). This variant has not been reported in the literature in individuals affected with AP3D1-related conditions. An algorithm developed to predict the effect of missense changes on protein structure and function (PolyPhen-2) suggests that this variant is likely to be tolerated. In summary, the available evidence is currently insufficient to determine the role of this variant in disease. Therefore, it has been classified as a Variant of Uncertain Significance.